The following is an entry in ClinVar:

NM_017654.4(SAMD9):c.1925T>A (p.Leu642Gln)

Gene: SAMD9 (sterile alpha motif domain containing 9; minus strand). Cytogenetic location: 7q21.2.
Variant type: single nucleotide variant.
Coding change: c.1925T>A on transcript NM_017654.4 (MANE Select); coding-DNA position 1925, T replaced by A.
Protein change: p.Leu642Gln; replaces leucine 642 with glutamine.
Molecular consequence: missense variant.
Genome position (GRCh38, 1-based): chr7:93,104,173, A>T on the plus strand (T>A on the coding strand, the complement: SAMD9 is on the minus strand). VCF-style: chr7-93104173-A-T. GRCh37 (hg19) VCF-style: chr7-92733486-A-T.
Other names: c.1925T>A, p.Leu642Gln (NM_001193307.2); short protein forms L642Q.
Identifiers: ClinVar variation 1403193 (VCV001403193.8), dbSNP rs1218400445, ClinGen allele CA368194079.

ClinVar aggregate classification (germline): Uncertain significance (1 of 4 stars; one submission).

Submission:

Labcorp Genetics (formerly Invitae), Labcorp
Classification: Uncertain significance. Last evaluated: 2021-06-28. Review status: criteria provided, single submitter. Criteria: Invitae Variant Classification Sherloc (09022015). Collection method: clinical testing. Allele origin: germline.
Comment: This sequence change replaces leucine with glutamine at codon 642 of the SAMD9 protein (p.Leu642Gln). The leucine residue is highly conserved and there is a moderate physicochemical difference between leucine and glutamine. In summary, the available evidence is currently insufficient to determine the role of this variant in disease. Therefore, it has been classified as a Variant of Uncertain Significance. Algorithms developed to predict the effect of sequence changes on RNA splicing suggest that this variant may create or strengthen a splice site, but this prediction has not been confirmed by published transcriptional studies. Algorithms developed to predict the effect of missense changes on protein structure and function output the following: SIFT: "Deleterious"; PolyPhen-2: "Possibly Damaging"; Align-GVGD: "Class C0". The glutamine amino acid residue is found in multiple mammalian species, suggesting that this missense change does not adversely affect protein function. These predictions have not been confirmed by published functional studies and their clinical significance is uncertain. This variant has not been reported in the literature in individuals with SAMD9-related conditions. This variant is not present in population databases (ExAC no frequency).